The following is an entry in ClinVar:

NM_001967.4(EIF4A2):c.132C>T (p.Leu44=)

Gene: EIF4A2 (eukaryotic translation initiation factor 4A2; plus strand). Cytogenetic location: 3q27.3.
Variant type: single nucleotide variant.
Coding change: c.132C>T on transcript NM_001967.4 (MANE Select); coding-DNA position 132, C replaced by T.
Protein change: p.Leu44=; no amino-acid change (leucine 44 retained).
Molecular consequence: synonymous variant.
Genome position (GRCh38, 1-based): chr3:186,784,620, C>T. VCF-style: chr3-186784620-C-T. GRCh37 (hg19) VCF-style: chr3-186502409-C-T.
Identifiers: ClinVar variation 3898185 (VCV003898185.7).

ClinVar aggregate classification (germline): Likely benign (1 of 4 stars; one submission).

Submission:

CeGaT Center for Human Genetics Tuebingen
Classification: Likely benign. Last evaluated: 2025-04-01. Review status: criteria provided, single submitter. Criteria: CeGaT Center For Human Genetics Tuebingen Variant Classification Criteria Version 2. Collection method: clinical testing. Allele origin: germline. Affected: yes. Observed: 2 variant alleles.
Comment: EIF4A2: BP4, BP7